The following is an entry in ClinVar:

ClinVar aggregate classification (germline): Benign. Review status: criteria provided, multiple submitters, no conflicts (2 of 4 stars). 6 submissions from 6 submitters: Benign (6). Last evaluated 2026-02-04.

Conditions:
Primary dilated cardiomyopathy (DCM). Also called: Dilated Cardiomyopathy. Identifiers: Orphanet 217604, MedGen C0007193, MeSH D002311, MONDO:0005021, HP:0001644. Inheritance: Various modes of inheritance.

Allele frequency attached by ClinVar (database versions not stated): 1000 Genomes Project 30x 0.95144; 1000 Genomes Project 0.95248; TOPMed 0.97116; gnomAD 0.98047 and 0.98186; gnomAD exomes 0.99051; ESP Exome Variant Server 0.99277.
gnomAD v4.1: 1,590,965 of 1,608,006 alleles (99%); highest among the groups gnomAD compares: Non-Finnish European, 100%; 788,165 homozygotes.

Submissions (6):

Labcorp Genetics (formerly Invitae), Labcorp
Classification: Benign for Primary dilated cardiomyopathy. Last evaluated: 2026-02-04. Review status: criteria provided, single submitter. Criteria: Invitae Variant Classification Sherloc (09022015). Collection method: clinical testing. Allele origin: germline.

Women's Health and Genetics/Laboratory Corporation of America, LabCorp
Classification: Benign. Last evaluated: 2023-04-04. Review status: criteria provided, single submitter. Criteria: LabCorp Variant Classification Summary - May 2015. Collection method: clinical testing. Allele origin: germline.

Ambry Genetics
Classification: Benign. Last evaluated: 2019-02-07. Review status: criteria provided, single submitter. Criteria: Ambry Variant Classification Scheme 2023. Collection method: clinical testing. Allele origin: germline.

GeneDx
Classification: Benign. Last evaluated: 2013-11-22. Review status: criteria provided, single submitter. Criteria: GeneDx Variant Classification (06012015). Collection method: clinical testing. Allele origin: germline. Affected: yes.
Comment: This variant is considered likely benign or benign based on one or more of the following criteria: it is a conservative change, it occurs at a poorly conserved position in the protein, it is predicted to be benign by multiple in silico algorithms, and/or has population frequency not consistent with disease.

Laboratory for Molecular Medicine, Mass General Brigham Personalized Medicine
Classification: Benign. Last evaluated: 2012-03-19. Review status: criteria provided, single submitter. Criteria: LMM Criteria. Collection method: clinical testing. Allele origin: germline. Observed: 1,584 variant alleles.
Comment: c.1008+5A>G in Intron 10 of NEBL: This variant is not expected to have clinical significance because it has been identified in 2.0% (75/3738) of African America n chromosomes from a broad population by the NHLBI Exome Sequencing Project (dbSNP rs703089).

Breakthrough Genomics
Classification: Benign. Review status: criteria provided, single submitter. Criteria: ACMG Guidelines, 2015. Collection method: not provided. Allele origin: germline. Inheritance: Unknown mechanism. Affected: yes.

NM_006393.3(NEBL):c.1008+5A>G

Gene: NEBL (nebulette; minus strand). Cytogenetic location: 10p12.31.
Variant type: single nucleotide variant.
Coding change: c.1008+5A>G on transcript NM_006393.3 (MANE Select); 5 bases into the intron after coding-DNA position 1008, A replaced by G.
Molecular consequence: intron variant.
Genome position (GRCh38, 1-based): chr10:20,852,540, T>C on the plus strand (A>G on the coding strand, the complement: NEBL is on the minus strand). VCF-style: chr10-20852540-T-C. GRCh37 (hg19) VCF-style: chr10-21141469-T-C.
Other names: c.250-39600A>G (NM_001377326.1, NM_001377327.1, NM_001377328.1); c.358-39600A>G (NM_213569.2, NM_001173484.2, NM_001377322.1); c.301-39600A>G (NM_001377324.1); c.292-39600A>G (NM_001377325.1); c.310-39600A>G (NM_001377323.1).
Identifiers: ClinVar variation 45471 (VCV000045471.20), dbSNP rs703089, ClinGen allele CA136379.